The following is an entry in ClinVar:

ClinVar aggregate classification (germline): Pathogenic (1 of 4 stars; one submission).

Submission:

Mayo Clinic Laboratories, Mayo Clinic
Classification: Pathogenic. Last evaluated: 2022-09-15. Review status: criteria provided, single submitter. Criteria: ACMG Guidelines, 2015. Collection method: clinical testing. Allele origin: germline. Observed: 1 variant allele.
Comment: PP4, PM2_supporting, PVS1

NM_001114753.3(ENG):c.954_955delinsACGAAGACAA (p.Leu319fs)

Gene: ENG (endoglin; minus strand). Cytogenetic location: 9q34.11.
Variant type: Indel.
Coding change: c.954_955delinsACGAAGACAA on transcript NM_001114753.3 (MANE Select); coding-DNA positions 954 to 955, GC replaced by ACGAAGACAA.
Protein change: p.Leu319fs; shifts the reading frame from leucine 319.
Molecular consequence: frameshift variant.
Genome position (GRCh38, 1-based): chr9:127,824,836-127,824,837, GC replaced by TTGTCTTCGT on the plus strand (GC replaced by ACGAAGACAA on the coding strand, the reverse complement: ENG is on the minus strand). VCF-style: chr9-127824836-GC-TTGTCTTCGT. GRCh37 (hg19) VCF-style: chr9-130587115-GC-TTGTCTTCGT.
Other names: p.Leu319Argfs*43; c.954_955delinsACGAAGACAA, p.Leu319fs (NM_000118.4, NM_001406715.1); c.954_955delGCinsACGAAGACAA, p.Leu319Argfs (NM_001114753.2); c.408_409delinsACGAAGACAA, p.Leu137fs (NM_001278138.2); short protein forms L137fs, L319fs.
Identifiers: ClinVar variation 2683659 (VCV002683659.1), dbSNP rs2539072759, ClinGen allele CA2697558067.